The following is an entry in ClinVar:

ClinVar aggregate classification (germline): Benign/Likely benign. Review status: criteria provided, multiple submitters, no conflicts (2 of 4 stars). 5 submissions from 5 submitters: Benign (3); Likely benign (2). Last evaluated 2026-01-27.

Conditions:
Spermatogenic failure 18. Identifiers: MedGen C4539783, MONDO:0054615, OMIM 617576.
Ciliary dyskinesia, primary, 37 (CILD37). Also called: CILIARY DYSKINESIA, PRIMARY, 37, WITH OR WITHOUT SITUS INVERSUS. Identifiers: MedGen C4539798, MONDO:0033204, OMIM 617577.

Allele frequency attached by ClinVar (database versions not stated): ESP Exome Variant Server 0.00266; TOPMed 0.00293; gnomAD 0.00304 and 0.00380; gnomAD exomes 0.00572 and 0.00579; 1000 Genomes Project 30x 0.00703; ExAC 0.00770; 1000 Genomes Project 0.00779.
gnomAD v4.1: 9,010 of 1,611,248 alleles (0.56%); highest among the groups gnomAD compares: South Asian, 2.3%; 69 homozygotes.

Submissions (5):

Labcorp Genetics (formerly Invitae), Labcorp
Classification: Benign for Ciliary dyskinesia, primary, 37; Spermatogenic failure 18. Last evaluated: 2026-01-27. Review status: criteria provided, single submitter. Criteria: Invitae Variant Classification Sherloc (09022015). Collection method: clinical testing. Allele origin: germline.

ARUP Laboratories, Molecular Genetics and Genomics, ARUP Laboratories
Classification: Benign. Last evaluated: 2025-06-24. Review status: criteria provided, single submitter. Criteria: ARUP Molecular Germline Variant Investigation Process 2024. Collection method: clinical testing. Allele origin: germline.

Mayo Clinic Laboratories, Mayo Clinic
Classification: Benign. Last evaluated: 2023-03-30. Review status: criteria provided, single submitter. Criteria: ACMG Guidelines, 2015. Collection method: clinical testing. Allele origin: germline. Observed: 4 variant alleles.
Comment: BS1, BP4_strong

GeneDx
Classification: Likely benign. Last evaluated: 2018-07-09. Review status: criteria provided, single submitter. Criteria: GeneDx Variant Classification Process June 2021. Collection method: clinical testing. Allele origin: germline. Affected: yes.

Breakthrough Genomics
Classification: Likely benign. Review status: criteria provided, single submitter. Criteria: ACMG Guidelines, 2015. Collection method: not provided. Allele origin: germline. Inheritance: Autosomal recessive inheritance. Affected: yes.

NM_015512.5(DNAH1):c.8266G>A (p.Val2756Met)

Gene: DNAH1 (dynein axonemal heavy chain 1; plus strand). Cytogenetic location: 3p21.1.
Variant type: single nucleotide variant.
Coding change: c.8266G>A on transcript NM_015512.5 (MANE Select); coding-DNA position 8266, G replaced by A.
Protein change: p.Val2756Met; replaces valine 2756 with methionine.
Molecular consequence: missense variant.
Genome position (GRCh38, 1-based): chr3:52,383,975, G>A. VCF-style: chr3-52383975-G-A. GRCh37 (hg19) VCF-style: chr3-52417991-G-A.
Other names: p.Val2756Met; short protein forms V2756M.
Identifiers: ClinVar variation 478499 (VCV000478499.19), dbSNP rs61749019, ClinGen allele CA2435155.
Genomic context (GRCh38, chr3:52,383,975, plus strand): 5'-TGCTGTACCATCGACTGGTTTAACGAGTGGCCGGCAGAAGCCCTGAAGTCTGTGGCCACC[G>A]TGTTCCTCAATGAGATCCCAGAACTGGAATCCTCCCAGGAAGAAATCCAAGGACTGGTGG-3'
Protein context (NP_056327.4, residues 2746-2766): PAEALKSVAT[Val2756Met]FLNEIPELES